The following is an entry in ClinVar:

ClinVar aggregate classification (germline): Benign. Review status: criteria provided, multiple submitters, no conflicts (2 of 4 stars). 7 submissions from 7 submitters: Benign (5). 2 of the submissions do not count toward it. Last evaluated 2026-02-02.

Conditions:
Pontocerebellar hypoplasia type 6 (PCH6). Identifiers: Orphanet 166073, MedGen C1969084, MONDO:0012683, OMIM 611523.

Allele frequency attached by ClinVar (database versions not stated): gnomAD exomes 0.00068 and 0.00172; ExAC 0.00200; ESP Exome Variant Server 0.00577; 1000 Genomes Project 0.00599; 1000 Genomes Project 30x 0.00671; TOPMed 0.00711.
gnomAD v4.1: 2,015 of 1,613,864 alleles (0.12%); highest among the groups gnomAD compares: African/African-American, 2.2%; 21 homozygotes.

Submissions (7):

Labcorp Genetics (formerly Invitae), Labcorp
Classification: Benign. Last evaluated: 2026-02-02. Review status: criteria provided, single submitter. Criteria: Invitae Variant Classification Sherloc (09022015). Collection method: clinical testing. Allele origin: germline.

Dubai Health Genomic Medicine Center, Dubai Health
Classification: Benign for Pontocerebellar hypoplasia type 6. Last evaluated: 2020-01-06. Review status: criteria provided, single submitter. Criteria: ACMG Guidelines, 2015. Collection method: clinical testing. Allele origin: germline. Affected: yes.

Illumina Laboratory Services, Illumina
Classification: Benign for Pontocerebellar hypoplasia type 6. Last evaluated: 2018-01-13. Review status: criteria provided, single submitter. Criteria: ICSL Variant Classification Criteria 13 December 2019. Collection method: clinical testing. Allele origin: germline.
Comment: This variant was observed in the ICSL laboratory as part of a predisposition screen in an ostensibly healthy population. It had not been previously curated by ICSL or reported in the Human Gene Mutation Database (HGMD: prior to June 1st, 2018), and was therefore a candidate for classification through an automated scoring system. Utilizing variant allele frequency, disease prevalence and penetrance estimates, and inheritance mode, an automated score was calculated to assess if this variant is too frequent to cause the disease. Based on the score and internal cut-off values, a variant classified as benign is not then subjected to further curation. The score for this variant resulted in a classification of benign for this disease.

Genetic Services Laboratory, University of Chicago
Classification: Benign. Last evaluated: 2017-04-24. Review status: criteria provided, single submitter. Criteria: ACMG Guidelines, 2015. Collection method: clinical testing. Allele origin: germline. Affected: no.

GeneDx
Classification: Benign. Last evaluated: 2014-03-31. Review status: criteria provided, single submitter. Criteria: GeneDx Variant Classification (06012015). Collection method: clinical testing. Allele origin: germline. Affected: yes.
Comment: This variant is considered likely benign or benign based on one or more of the following criteria: it is a conservative change, it occurs at a poorly conserved position in the protein, it is predicted to be benign by multiple in silico algorithms, and/or has population frequency not consistent with disease.

Natera, Inc.
Classification: Benign for Pontocerebellar hypoplasia, type 6. Last evaluated: 2020-09-16. Review status: no assertion criteria provided. Collection method: clinical testing. Allele origin: germline. Not counted in ClinVar's aggregate classification.

Mayo Clinic Laboratories, Mayo Clinic
Classification: Likely benign. Last evaluated: 2016-03-16. Review status: no assertion criteria provided. Collection method: clinical testing. Allele origin: unknown. Not counted in ClinVar's aggregate classification.

NM_020320.5(RARS2):c.155A>T (p.Lys52Ile)

Gene: RARS2 (arginyl-tRNA synthetase 2, mitochondrial; minus strand). Cytogenetic location: 6q15.
Variant type: single nucleotide variant.
Coding change: c.155A>T on transcript NM_020320.5 (MANE Select); coding-DNA position 155, A replaced by T.
Protein change: p.Lys52Ile; replaces lysine 52 with isoleucine.
Molecular consequence: missense variant. On other transcripts: 5 prime UTR variant (7), non-coding transcript variant (23).
Genome position (GRCh38, 1-based): chr6:87,564,188, T>A on the plus strand (A>T on the coding strand, the complement: RARS2 is on the minus strand). VCF-style: chr6-87564188-T-A. GRCh37 (hg19) VCF-style: chr6-88273906-T-A.
Other names: p.K52I:AAA>ATA; c.155A>T (NM_020320.4); c.-315A>T (NM_001318785.2, NM_001350509.2); c.155A>T, p.Lys52Ile (NM_001350505.2); c.-371A>T (NM_001350506.2, NM_001350507.2, NM_001350510.2 and 1 more transcripts); c.-533A>T (NM_001350508.2); short protein forms K52I.
Identifiers: ClinVar variation 130094 (VCV000130094.25), dbSNP rs73496064, ClinGen allele CA289007.